The following is an entry in ClinVar:

NM_004483.5(GCSH):c.292+9T>G

Gene: GCSH (glycine cleavage system protein H; minus strand). Cytogenetic location: 16q23.2.
Variant type: single nucleotide variant.
Coding change: c.292+9T>G on transcript NM_004483.5 (MANE Select); 9 bases into the intron after coding-DNA position 292, T replaced by G.
Molecular consequence: intron variant.
Genome position (GRCh38, 1-based): chr16:81,087,592, A>C on the plus strand (T>G on the coding strand, the complement: GCSH is on the minus strand). VCF-style: chr16-81087592-A-C. GRCh37 (hg19) VCF-style: chr16-81121197-A-C.
Identifiers: ClinVar variation 462904 (VCV000462904.16), dbSNP rs8177909, ClinGen allele CA8186765.

ClinVar aggregate classification (germline): Benign/Likely benign. Review status: criteria provided, multiple submitters, no conflicts (2 of 4 stars). 4 submissions from 4 submitters: Benign (2); Likely benign (1). 1 of the submissions does not count toward it. Last evaluated 2025-07-14.

Conditions:
GCSH-related disorder. Also called: GCSH-related condition.
Glycine encephalopathy. Also called: Nonketotic hyperglycinemia; Non-ketotic hyperglycinemia. Identifiers: Orphanet 407, MedGen C0751748, MONDO:0011612, HP:0008288.

Allele frequency attached by ClinVar (database versions not stated): gnomAD exomes 0.00049 and 0.00142; ExAC 0.00174; gnomAD 0.00534 and 0.00574; TOPMed 0.00586; 1000 Genomes Project 0.00679; ESP Exome Variant Server 0.00684; 1000 Genomes Project 30x 0.00796.
gnomAD v4.1: 1,525 of 1,572,096 alleles (0.097%); highest among the groups gnomAD compares: African/African-American, 1.8%; 15 homozygotes.

Submissions (4):

Labcorp Genetics (formerly Invitae), Labcorp
Classification: Benign for Glycine encephalopathy. Last evaluated: 2025-07-14. Review status: criteria provided, single submitter. Criteria: Invitae Variant Classification Sherloc (09022015). Collection method: clinical testing. Allele origin: germline.

Fulgent Genetics
Classification: Likely benign for Glycine encephalopathy 1. Last evaluated: 2021-11-05. Review status: criteria provided, single submitter. Criteria: ACMG Guidelines, 2015. Collection method: clinical testing. Allele origin: unknown.

Breakthrough Genomics
Classification: Benign. Review status: criteria provided, single submitter. Criteria: ACMG Guidelines, 2015. Collection method: not provided. Allele origin: germline. Inheritance: Autosomal recessive inheritance. Affected: yes.

PreventionGenetics, part of Exact Sciences
Classification: Benign for GCSH-related condition. Last evaluated: 2019-09-09. Review status: no assertion criteria provided. Collection method: clinical testing. Allele origin: germline. Not counted in ClinVar's aggregate classification.
Comment: This variant is classified as benign based on ACMG/AMP sequence variant interpretation guidelines (Richards et al. 2015 PMID: 25741868, with internal and published modifications).